The following is an entry in ClinVar:

ClinVar aggregate classification (germline): Uncertain significance (1 of 4 stars; one submission).

Submission:

Labcorp Genetics (formerly Invitae), Labcorp
Classification: Uncertain significance. Last evaluated: 2023-11-06. Review status: criteria provided, single submitter. Criteria: Invitae Variant Classification Sherloc (09022015). Collection method: clinical testing. Allele origin: germline.
Comment: This sequence change replaces methionine, which is neutral and non-polar, with leucine, which is neutral and non-polar, at codon 11 of the VCAN protein (p.Met11Leu). This variant is not present in population databases (gnomAD no frequency). This variant has not been reported in the literature in individuals affected with VCAN-related conditions. Algorithms developed to predict the effect of missense changes on protein structure and function output the following: SIFT: "Not Available"; PolyPhen-2: "Benign"; Align-GVGD: "Not Available". The leucine amino acid residue is found in multiple mammalian species, which suggests that this missense change does not adversely affect protein function. In summary, the available evidence is currently insufficient to determine the role of this variant in disease. Therefore, it has been classified as a Variant of Uncertain Significance.

NM_004385.5(VCAN):c.31A>T (p.Met11Leu)

Gene: VCAN (versican; plus strand). Cytogenetic location: 5q14.2.
Variant type: single nucleotide variant.
Coding change: c.31A>T on transcript NM_004385.5 (MANE Select); coding-DNA position 31, A replaced by T.
Protein change: p.Met11Leu; replaces methionine 11 with leucine.
Molecular consequence: missense variant.
Genome position (GRCh38, 1-based): chr5:83,483,549, A>T. VCF-style: chr5-83483549-A-T. GRCh37 (hg19) VCF-style: chr5-82779368-A-T.
Other names: c.31A>T, p.Met11Leu (NM_001126336.3, NM_001164097.2, NM_001164098.2); short protein forms M11L.
Identifiers: ClinVar variation 2693715 (VCV002693715.3), dbSNP rs2478944975, ClinGen allele CA360293162.
Genomic context (GRCh38, chr5:83,483,549, plus strand): 5'-CTTTGTGTTTTTCTTCATTTCTAGGCCAAGATGTTCATAAATATAAAGAGCATCTTATGG[A>T]TGTGTTCAACCTTAATAGTAACCCATGCGCTACATAAAGGTGAGTGTGCTAACAATTTCT-3'
Protein context (NP_004376.2, residues 1-21): MFINIKSILW[Met11Leu]CSTLIVTHAL